The following is an entry in ClinVar:

NM_020831.6(MRTFA):c.2868C>G (p.His956Gln)

Gene: MRTFA (myocardin related transcription factor A; minus strand). Cytogenetic location: 22q13.1.
Variant type: single nucleotide variant.
Coding change: c.2868C>G on transcript NM_020831.6 (MANE Select); coding-DNA position 2868, C replaced by G.
Protein change: p.His956Gln; replaces histidine 956 with glutamine.
Molecular consequence: missense variant. On other transcripts: 3 prime UTR variant (1).
Genome position (GRCh38, 1-based): chr22:40,411,618, G>C on the plus strand (C>G on the coding strand, the complement: MRTFA is on the minus strand). VCF-style: chr22-40411618-G-C. GRCh37 (hg19) VCF-style: chr22-40807622-G-C.
Other names: c.2568C>G, p.His856Gln (NM_001282660.2); c.2718C>G, p.His906Gln (NM_001282661.3); c.*181C>G (NM_001282662.3); c.2673C>G, p.His891Gln (NM_001318139.2); short protein forms H856Q, H891Q, H956Q, H906Q.
Identifiers: ClinVar variation 3685240 (VCV003685240.2).

ClinVar aggregate classification (germline): Uncertain significance (1 of 4 stars; one submission).

gnomAD v4.1: 2 of 1,613,700 alleles (0.00012%); highest among the groups gnomAD compares: African/African-American, 0.0027%; no homozygotes.

Submission:

Labcorp Genetics (formerly Invitae), Labcorp
Classification: Uncertain significance. Last evaluated: 2024-07-17. Review status: criteria provided, single submitter. Criteria: Invitae Variant Classification Sherloc (09022015). Collection method: clinical testing. Allele origin: germline.
Comment: This sequence change replaces histidine, which is basic and polar, with glutamine, which is neutral and polar, at codon 856 of the MKL1 protein (p.His856Gln). This variant is not present in population databases (gnomAD no frequency). This variant has not been reported in the literature in individuals affected with MKL1-related conditions. An algorithm developed to predict the effect of missense changes on protein structure and function (PolyPhen-2) suggests that this variant is likely to be disruptive. In summary, the available evidence is currently insufficient to determine the role of this variant in disease. Therefore, it has been classified as a Variant of Uncertain Significance.